The following is an entry in ClinVar:

NM_152383.5(DIS3L2):c.304C>T (p.Arg102Cys)

Gene: DIS3L2 (DIS3 like 3'-5' exoribonuclease 2; plus strand). Cytogenetic location: 2q37.1.
Variant type: single nucleotide variant.
Coding change: c.304C>T on transcript NM_152383.5 (MANE Select); coding-DNA position 304, C replaced by T.
Protein change: p.Arg102Cys; replaces arginine 102 with cysteine.
Molecular consequence: missense variant. On other transcripts: non-coding transcript variant (2).
Genome position (GRCh38, 1-based): chr2:232,030,018, C>T. VCF-style: chr2-232030018-C-T. GRCh37 (hg19) VCF-style: chr2-232894728-C-T.
Other names: c.304C>T, p.Arg102Cys (NM_001257281.2, NM_001257282.2); short protein forms R102C.
Identifiers: ClinVar variation 2142391 (VCV002142391.4), dbSNP rs1312992367, ClinGen allele CA351152924.
Genomic context (GRCh38, chr2:232,030,018, plus strand): 5'-TTATTTCTTTTTCCAACCTAGGATGGTGATCGAGACATTTTTATTGATGGGGTTGTTGCT[C>T]GTAATAGAGCCTTAAATGGGGATCTGGTGGTCGTGAAACTGCTTCCCGAGGAGCATTGGA-3'
Protein context (NP_689596.4, residues 92-112): RDIFIDGVVA[Arg102Cys]NRALNGDLVV

ClinVar aggregate classification (germline): Uncertain significance (1 of 4 stars; one submission).

Conditions:
Perlman syndrome (PRLMNS). Identifiers: Orphanet 2849, MedGen C0796113, MONDO:0009965, OMIM 267000.

Submission:

Labcorp Genetics (formerly Invitae), Labcorp
Classification: Uncertain significance for Perlman syndrome. Last evaluated: 2023-07-28. Review status: criteria provided, single submitter. Criteria: Invitae Variant Classification Sherloc (09022015). Collection method: clinical testing. Allele origin: germline.
Comment: In summary, the available evidence is currently insufficient to determine the role of this variant in disease. Therefore, it has been classified as a Variant of Uncertain Significance. Advanced modeling of protein sequence and biophysical properties (such as structural, functional, and spatial information, amino acid conservation, physicochemical variation, residue mobility, and thermodynamic stability) performed at Invitae indicates that this missense variant is expected to disrupt DIS3L2 protein function. ClinVar contains an entry for this variant (Variation ID: 2142391). This variant has not been reported in the literature in individuals affected with DIS3L2-related conditions. The frequency data for this variant in the population databases is considered unreliable, as metrics indicate poor data quality at this position in the gnomAD database. This sequence change replaces arginine, which is basic and polar, with cysteine, which is neutral and slightly polar, at codon 102 of the DIS3L2 protein (p.Arg102Cys).